The following is an entry in ClinVar:

NM_078480.3(PUF60):c.679C>T (p.Arg227Cys)

Gene: PUF60 (poly(U) binding splicing factor 60; minus strand). Cytogenetic location: 8q24.3.
Variant type: single nucleotide variant.
Coding change: c.679C>T on transcript NM_078480.3 (MANE Select); coding-DNA position 679, C replaced by T.
Protein change: p.Arg227Cys; replaces arginine 227 with cysteine.
Molecular consequence: missense variant.
Genome position (GRCh38, 1-based): chr8:143,818,000, G>A on the plus strand (C>T on the coding strand, the complement: PUF60 is on the minus strand). VCF-style: chr8-143818000-G-A. GRCh37 (hg19) VCF-style: chr8-144900170-G-A.
Other names: c.550C>T, p.Arg184Cys (NM_001136033.3); c.625C>T, p.Arg209Cys (NM_001271096.2); c.541C>T, p.Arg181Cys (NM_001271097.2); c.676C>T, p.Arg226Cys (NM_001271098.2); c.592C>T, p.Arg198Cys (NM_001271099.2); c.499C>T, p.Arg167Cys (NM_001271100.2); c.790C>T, p.Arg264Cys (NM_001362895.2, NM_001362896.2); c.739C>T, p.Arg247Cys (NM_001362897.2); and 1 more; short protein forms R167C, R181C, R184C, R198C, R209C, R210C, R226C, R227C.
Identifiers: ClinVar variation 4538609 (VCV004538609.2).

ClinVar aggregate classification (germline): Uncertain significance (1 of 4 stars; one submission).

Submission:

GeneDx
Classification: Uncertain significance. Last evaluated: 2025-12-22. Review status: criteria provided, single submitter. Criteria: GeneDx Variant Classification Process June 2021. Collection method: clinical testing. Allele origin: germline.
Comment: Not observed at significant frequency in large population cohorts (gnomAD); In silico analysis supports that this missense variant has a deleterious effect on protein structure/function; Has not been previously published as pathogenic or benign to our knowledge